The following is an entry in ClinVar:

NM_015915.5(ATL1):c.1390G>A (p.Val464Met)

Gene: ATL1 (atlastin GTPase 1; plus strand). Cytogenetic location: 14q22.1.
Variant type: single nucleotide variant.
Coding change: c.1390G>A on transcript NM_015915.5 (MANE Select); coding-DNA position 1390, G replaced by A.
Protein change: p.Val464Met; replaces valine 464 with methionine.
Molecular consequence: missense variant.
Genome position (GRCh38, 1-based): chr14:50,628,301, G>A. VCF-style: chr14-50628301-G-A. GRCh37 (hg19) VCF-style: chr14-51095019-G-A.
Other names: c.1390G>A, p.Val464Met (NM_001127713.1, NM_181598.4); short protein forms V464M.
Identifiers: ClinVar variation 3900248 (VCV003900248.1).

ClinVar aggregate classification (germline): Uncertain significance (1 of 4 stars; one submission).

Submission:

GeneDx
Classification: Uncertain significance. Last evaluated: 2024-11-25. Review status: criteria provided, single submitter. Criteria: GeneDx Variant Classification Process June 2021. Collection method: clinical testing. Allele origin: germline. Affected: yes.
Comment: Not observed at significant frequency in large population cohorts (gnomAD); In silico analysis indicates that this missense variant does not alter protein structure/function; Has not been previously published as pathogenic or benign to our knowledge